The following is an entry in ClinVar:

NM_005359.6(SMAD4):c.250-1G>T

Gene: SMAD4 (SMAD family member 4; plus strand). Cytogenetic location: 18q21.2.
Variant type: single nucleotide variant.
Coding change: c.250-1G>T on transcript NM_005359.6 (MANE Select); the canonical splice acceptor site of the intron before coding-DNA position 250, G replaced by T.
Molecular consequence: splice acceptor variant.
Genome position (GRCh38, 1-based): chr18:51,048,685, G>T. VCF-style: chr18-51048685-G-T. GRCh37 (hg19) VCF-style: chr18-48575055-G-T.
Other names: c.250-1G>T (NM_001407042.1, NM_001407041.1, NM_001407043.1).
Identifiers: ClinVar variation 2818675 (VCV002818675.3), dbSNP rs1555685149, ClinGen allele CA402458164.

ClinVar aggregate classification (germline): Likely pathogenic (1 of 4 stars; one submission).

Conditions:
Juvenile polyposis syndrome (JPS). Identifiers: Orphanet 2929, MedGen C0345893, MONDO:0017380, OMIM 174900.

Submission:

Labcorp Genetics (formerly Invitae), Labcorp
Classification: Likely pathogenic for Juvenile polyposis syndrome. Last evaluated: 2023-02-10. Review status: criteria provided, single submitter. Criteria: Invitae Variant Classification Sherloc (09022015). Collection method: clinical testing. Allele origin: germline.
Comment: This sequence change affects an acceptor splice site in intron 2 of the SMAD4 gene. It is expected to disrupt RNA splicing. Variants that disrupt the donor or acceptor splice site typically lead to a loss of protein function (PMID: 16199547), and loss-of-function variants in SMAD4 are known to be pathogenic (PMID: 16152648, 16436638, 22810475). This variant is not present in population databases (gnomAD no frequency). This variant has not been reported in the literature in individuals affected with SMAD4-related conditions. Algorithms developed to predict the effect of sequence changes on RNA splicing suggest that this variant may disrupt the consensus splice site. In summary, the currently available evidence indicates that the variant is pathogenic, but additional data are needed to prove that conclusively. Therefore, this variant has been classified as Likely Pathogenic.

Literature cited by the submitters: PubMed 16199547; PubMed 16152648; PubMed 16436638; PubMed 22810475.